The following is an entry in ClinVar:

NM_005762.3(TRIM28):c.746T>C (p.Val249Ala)

Gene: TRIM28 (tripartite motif containing 28; plus strand). Cytogenetic location: 19q13.43.
Variant type: single nucleotide variant.
Coding change: c.746T>C on transcript NM_005762.3 (MANE Select); coding-DNA position 746, T replaced by C.
Protein change: p.Val249Ala; replaces valine 249 with alanine.
Molecular consequence: missense variant.
Genome position (GRCh38, 1-based): chr19:58,547,620, T>C. VCF-style: chr19-58547620-T-C. GRCh37 (hg19) VCF-style: chr19-59058987-T-C.
Other names: short protein forms V249A.
Identifiers: ClinVar variation 3729360 (VCV003729360.2).
Genomic context (GRCh38, chr19:58,547,620, plus strand): 5'-TAGCTTAGTGCTCAGGAACACATCTGTCTGCTCTCAGGTACCAGTTCTTAGAGGATGCAG[T>C]GAGGAACCAGCGCAAGCTCCTGGCCTCACTGGTGAAGCGCCTTGGGGACAAACATGCAAC-3'
Protein context (NP_005753.1, residues 239-259): DHQYQFLEDA[Val249Ala]RNQRKLLASL

ClinVar aggregate classification (germline): Uncertain significance (1 of 4 stars; one submission).

gnomAD v4.1: 1 of 1,613,964 alleles (0.000062%); highest among the groups gnomAD compares: Non-Finnish European, 0.000085%; no homozygotes.

Submission:

Labcorp Genetics (formerly Invitae), Labcorp
Classification: Uncertain significance. Last evaluated: 2025-01-22. Review status: criteria provided, single submitter. Criteria: Invitae Variant Classification Sherloc (09022015). Collection method: clinical testing. Allele origin: germline.
Comment: This sequence change replaces valine, which is neutral and non-polar, with alanine, which is neutral and non-polar, at codon 249 of the TRIM28 protein (p.Val249Ala). This variant is not present in population databases (gnomAD no frequency). This variant has not been reported in the literature in individuals affected with TRIM28-related conditions. Experimental studies and prediction algorithms are not available or were not evaluated, and the functional significance of this variant is currently unknown. In summary, the available evidence is currently insufficient to determine the role of this variant in disease. Therefore, it has been classified as a Variant of Uncertain Significance.